The following is an entry in ClinVar:

NM_052892.5(PKD1L2):c.1176C>A (p.Ala392=)

Gene: PKD1L2 (polycystin 1 like 2 (gene/pseudogene); minus strand). Cytogenetic location: 16q23.2.
Variant type: single nucleotide variant.
Coding change: c.1176C>A on transcript NM_052892.5; coding-DNA position 1176, C replaced by A.
Protein change: p.Ala392=; no amino-acid change (alanine 392 retained).
Molecular consequence: synonymous variant. On other transcripts: non-coding transcript variant (1).
Genome position (GRCh38, 1-based): chr16:81,199,020, G>T on the plus strand (C>A on the coding strand, the complement: PKD1L2 is on the minus strand). VCF-style: chr16-81199020-G-T. GRCh37 (hg19) VCF-style: chr16-81232625-G-T.
Other names: c.1176C>A, p.Ala392= (NM_001076780.3).
Identifiers: ClinVar variation 3067182 (VCV003067182.21), dbSNP rs138475973, ClinGen allele CA8189914.
Genomic context (GRCh38, chr16:81,199,020, plus strand): 5'-CTGGGTTTCTCTGTCCAGGATCAGATTGTACGGTAGCGAGCCCTTTTGGGTGGTGGACTC[G>T]GCCAGGGTTATGTCACCCAAAAGCACAGTGTAAGTCACTCCTGTTCCTAAGTGGGGTAAG-3'

ClinVar aggregate classification (germline): Likely benign (1 of 4 stars; one submission).

Allele frequency attached by ClinVar (database versions not stated): 1000 Genomes Project 0.00140; 1000 Genomes Project 30x 0.00156; TOPMed 0.00203; ESP Exome Variant Server 0.00214.

Submission:

CeGaT Center for Human Genetics Tuebingen
Classification: Likely benign. Last evaluated: 2024-03-01. Review status: criteria provided, single submitter. Criteria: CeGaT Center For Human Genetics Tuebingen Variant Classification Criteria Version 2. Collection method: clinical testing. Allele origin: germline. Affected: yes. Observed: 1 variant allele.
Comment: PKD1L2: BS2